The following is an entry in ClinVar:

ClinVar aggregate classification (germline): Uncertain significance. Review status: criteria provided, multiple submitters, no conflicts (2 of 4 stars). 2 submissions from 2 submitters: Uncertain significance (2). Last evaluated 2022-08-21.

Conditions:
Inborn genetic diseases. Identifiers: MedGen C0950123, MeSH D030342.
Syndromic multisystem autoimmune disease due to ITCH deficiency. Also called: AUTOIMMUNE DISEASE, MULTISYSTEM, WITH FACIAL DYSMORPHISM. Identifiers: Orphanet 228426, MedGen C3150649, MONDO:0013245, OMIM 613385.

Allele frequency attached by ClinVar (database versions not stated): gnomAD exomes below 0.00001 and 0.00001.
gnomAD v4.1: 12 of 1,613,870 alleles (0.00074%); highest among the groups gnomAD compares: Non-Finnish European, 0.001%; no homozygotes.

Submissions (2):

Labcorp Genetics (formerly Invitae), Labcorp
Classification: Uncertain significance for Syndromic multisystem autoimmune disease due to ITCH deficiency. Last evaluated: 2022-08-21. Review status: criteria provided, single submitter. Criteria: Invitae Variant Classification Sherloc (09022015). Collection method: clinical testing. Allele origin: germline.
Comment: This variant has not been reported in the literature in individuals affected with ITCH-related conditions. Algorithms developed to predict the effect of missense changes on protein structure and function are either unavailable or do not agree on the potential impact of this missense change (SIFT: "Not Available"; PolyPhen-2: "Probably Damaging"; Align-GVGD: "Not Available"). ClinVar contains an entry for this variant (Variation ID: 575318). This variant is present in population databases (no rsID available, gnomAD 0.0009%). This sequence change replaces arginine, which is basic and polar, with serine, which is neutral and polar, at codon 763 of the ITCH protein (p.Arg763Ser). In summary, the available evidence is currently insufficient to determine the role of this variant in disease. Therefore, it has been classified as a Variant of Uncertain Significance.

Ambry Genetics
Classification: Uncertain significance for Inborn genetic diseases. Last evaluated: 2022-02-09. Review status: criteria provided, single submitter. Criteria: Ambry Variant Classification Scheme 2023. Collection method: clinical testing. Allele origin: germline.

NM_031483.7(ITCH):c.2289G>T (p.Arg763Ser)

Gene: ITCH (itchy E3 ubiquitin protein ligase; plus strand). Cytogenetic location: 20q11.22.
Variant type: single nucleotide variant.
Coding change: c.2289G>T on transcript NM_031483.7 (MANE Select); coding-DNA position 2289, G replaced by T.
Protein change: p.Arg763Ser; replaces arginine 763 with serine.
Molecular consequence: missense variant.
Genome position (GRCh38, 1-based): chr20:34,489,896, G>T. VCF-style: chr20-34489896-G-T. GRCh37 (hg19) VCF-style: chr20-33077701-G-T.
Other names: c.2412G>T, p.Arg804Ser (NM_001257137.3, NM_001324197.2); c.1959G>T, p.Arg653Ser (NM_001257138.3); c.2289G>T, p.Arg763Ser (NM_001324198.2); c.2289G>T (NM_031483.4); short protein forms R763S, R653S, R804S.
Identifiers: ClinVar variation 575318 (VCV000575318.9), dbSNP rs1234261647, ClinGen allele CA408673194.